The following is an entry in ClinVar:

NM_000330.4(RS1):c.550T>C (p.Ser184Pro)

Genes: CDKL5 (cyclin dependent kinase like 5; plus strand), RS1 (retinoschisin 1; minus strand). Cytogenetic location: Xp22.13.
Variant type: single nucleotide variant.
Coding change: c.550T>C on transcript NM_000330.4 (MANE Select); coding-DNA position 550, T replaced by C.
Protein change: p.Ser184Pro; replaces serine 184 with proline.
Molecular consequence: missense variant. On other transcripts: intron variant (2).
Genome position (GRCh38, 1-based): chrX:18,642,129, A>G on the plus strand (T>C on the coding strand, the complement: RS1 is on the minus strand). VCF-style: chrX-18642129-A-G. GRCh37 (hg19) VCF-style: chrX-18660249-A-G.
Other names: c.2714-3878A>G (NM_003159.3, NM_001037343.2); short protein forms S184P.
Identifiers: ClinVar variation 2093274 (VCV002093274.4), dbSNP rs2518916663, ClinGen allele CA412370517.

ClinVar aggregate classification (germline): Uncertain significance (1 of 4 stars; one submission).

Submission:

Labcorp Genetics (formerly Invitae), Labcorp
Classification: Uncertain significance. Last evaluated: 2022-02-04. Review status: criteria provided, single submitter. Criteria: Invitae Variant Classification Sherloc (09022015). Collection method: clinical testing. Allele origin: germline.
Comment: This sequence change replaces serine, which is neutral and polar, with proline, which is neutral and non-polar, at codon 184 of the RS1 protein (p.Ser184Pro). In summary, the available evidence is currently insufficient to determine the role of this variant in disease. Therefore, it has been classified as a Variant of Uncertain Significance. Advanced modeling of protein sequence and biophysical properties (such as structural, functional, and spatial information, amino acid conservation, physicochemical variation, residue mobility, and thermodynamic stability) performed at Invitae indicates that this missense variant is expected to disrupt RS1 protein function. This variant has not been reported in the literature in individuals affected with RS1-related conditions. This variant is not present in population databases (gnomAD no frequency).